The following is an entry in ClinVar:

NM_032043.3(BRIP1):c.2492+3A>C

Gene: BRIP1 (BRCA1 interacting DNA helicase 1; minus strand). Cytogenetic location: 17q23.2.
Variant type: single nucleotide variant.
Coding change: c.2492+3A>C on transcript NM_032043.3 (MANE Select); 3 bases into the intron after coding-DNA position 2492, A replaced by C.
Molecular consequence: intron variant.
Genome position (GRCh38, 1-based): chr17:61,715,948, T>G on the plus strand (A>C on the coding strand, the complement: BRIP1 is on the minus strand). VCF-style: chr17-61715948-T-G. GRCh37 (hg19) VCF-style: chr17-59793309-T-G.
Identifiers: ClinVar variation 491442 (VCV000491442.12), dbSNP rs1555580758, ClinGen allele CA658684167.
Genomic context (GRCh38, chr17:61,715,948, plus strand): 5'-AGACTAGATTTATATATATAGCCCTGTCACAGATAATATTATATTAAATTTCACTCCACT[T>G]ACCTACCAAGGGCCTGGTTTAAGGCCCTGTATGCTTGAATTTCATACCACTGACGGCCAG-3'

ClinVar aggregate classification (germline): Uncertain significance. Review status: criteria provided, multiple submitters, no conflicts (2 of 4 stars). 3 submissions from 3 submitters: Uncertain significance (3). Last evaluated 2026-01-05.

Conditions:
Hereditary cancer-predisposing syndrome. Also called: Tumor predisposition; Neoplastic Syndromes, Hereditary; Hereditary Cancer Syndrome; Hereditary neoplastic syndrome. Identifiers: Orphanet 140162, MedGen C0027672, MeSH D009386, MONDO:0015356.
Fanconi anemia complementation group J. Also called: BRIP1-Related Fanconi Anemia. Identifiers: Orphanet 84, MedGen C1836860, MONDO:0012187, OMIM 609054.
Familial cancer of breast. Also called: BREAST CANCER, FAMILIAL; hereditary breast carcinoma; Hereditary breast cancer. Identifiers: Orphanet 227535, MedGen C0346153, MONDO:0016419, OMIM 114480. Disease mechanism: loss of function.

Allele frequency attached by ClinVar (database versions not stated): gnomAD exomes below 0.00001.
gnomAD v4.1: 1 of 1,561,130 alleles (0.000064%); highest among the groups gnomAD compares: Non-Finnish European, 0.000088%; no homozygotes.

Submissions (3):

Labcorp Genetics (formerly Invitae), Labcorp
Classification: Uncertain significance for Familial cancer of breast; Fanconi anemia complementation group J. Last evaluated: 2026-01-05. Review status: criteria provided, single submitter. Criteria: Invitae Variant Classification Sherloc (09022015). Collection method: clinical testing. Allele origin: germline.
Comment: This sequence change falls in intron 17 of the BRIP1 gene. It does not directly change the encoded amino acid sequence of the BRIP1 protein. RNA analysis indicates that this variant induces altered splicing and may result in an absent or altered protein product. This variant is not present in population databases (gnomAD no frequency). This variant has not been reported in the literature in individuals affected with BRIP1-related conditions. ClinVar contains an entry for this variant (Variation ID: 491442). Variants that disrupt the consensus splice site are a relatively common cause of aberrant splicing (PMID: 17576681, 9536098). Studies have shown that this variant results in activation of a cryptic splice site, and produces a non-functional protein and/or introduces a premature termination codon (internal data). In summary, the available evidence is currently insufficient to determine the role of this variant in disease. Therefore, it has been classified as a Variant of Uncertain Significance.

Ambry Genetics
Classification: Uncertain significance for Hereditary cancer-predisposing syndrome. Last evaluated: 2024-09-17. Review status: criteria provided, single submitter. Criteria: Ambry Variant Classification Scheme 2023. Collection method: clinical testing. Allele origin: germline.
Comment: The c.2492+3A>C intronic variant results from an A to C substitution 3 nucleotides after coding exon 16 in the BRIP1 gene. This nucleotide position is well conserved in available vertebrate species. In silico splice site analysis predicts that this alteration will weaken the native splice donor site. Based on the available evidence, the clinical significance of this variant remains unclear.

Color Diagnostics, LLC DBA Color Health
Classification: Uncertain significance for Hereditary cancer-predisposing syndrome. Last evaluated: 2019-04-25. Review status: criteria provided, single submitter. Criteria: ACMG Guidelines, 2015. Collection method: clinical testing. Allele origin: germline.

Literature cited by the submitters: PubMed 17576681 (cited by Labcorp Genetics (formerly Invitae), Labcorp); PubMed 9536098 (cited by Labcorp Genetics (formerly Invitae), Labcorp).